The following is an entry in ClinVar:

NM_001430.5(EPAS1):c.1591C>T (p.Pro531Ser)

Gene: EPAS1 (endothelial PAS domain protein 1; plus strand). Cytogenetic location: 2p21.
Variant type: single nucleotide variant.
Coding change: c.1591C>T on transcript NM_001430.5 (MANE Select); coding-DNA position 1591, C replaced by T.
Protein change: p.Pro531Ser; replaces proline 531 with serine.
Molecular consequence: missense variant.
Genome position (GRCh38, 1-based): chr2:46,380,263, C>T. VCF-style: chr2-46380263-C-T. GRCh37 (hg19) VCF-style: chr2-46607402-C-T.
Other names: short protein forms P531S.
Identifiers: ClinVar variation 4530061 (VCV004530061.1).

ClinVar aggregate classification (somatic clinical impact): Tier I - Strong (1 of 4 stars; one submission).

Conditions:
Pheochromocytoma. Also called: MAX-Related Hereditary Paraganglioma-Pheochromocytoma Syndrome. Identifiers: Orphanet 29072, MedGen C0031511, MONDO:0008233, OMIM 171300, HP:0002666.

Submission:

Institute for Genomic Medicine (IGM) Clinical Laboratory, Nationwide Children's Hospital
Classification: Tier I - Strong for Pheochromocytoma. Assertion type: diagnostic. Clinical significance: supports diagnosis. Last evaluated: 2023-07-03. Review status: criteria provided, single submitter. Criteria: AMP/ASCO/CAP Guidelines, 2017. Collection method: clinical testing. Allele origin: somatic. Affected: yes.
Comment: Variant has Tier I (strong) clinical significance as a diagnostic inclusion criterion in pheochromocytoma, based on the following evidence: 1) Documented in one or more cancer databases (e.g., St. Jude Pecan, COSMIC, CIViC, OncoKB). 2) Appears in one or more well-established professional guidelines (e.g., World Health Organization [WHO]; National Comprehensive Cancer Network [NCCN]) as providing diagnostic, prognostic, or therapeutic information. 3) Information in the literature supports potential biologic effect of variant (PMID: 22931260). 4) Diagnostic for a specific tumor type/classification based on well-powered studies with expert-level consensus (Evidence Level B; PMIDs: 22931260, 23418310, 28162975).

Literature cited by the submitters: PubMed 22931260; PubMed 23418310; PubMed 28162975.